The following is an entry in ClinVar:

NM_000350.3(ABCA4):c.2711C>T (p.Thr904Met)

Gene: ABCA4 (ATP binding cassette subfamily A member 4; minus strand). Cytogenetic location: 1p22.1.
Variant type: single nucleotide variant.
Coding change: c.2711C>T on transcript NM_000350.3 (MANE Select); coding-DNA position 2711, C replaced by T.
Protein change: p.Thr904Met; replaces threonine 904 with methionine.
Molecular consequence: missense variant.
Genome position (GRCh38, 1-based): chr1:94,048,900, G>A on the plus strand (C>T on the coding strand, the complement: ABCA4 is on the minus strand). VCF-style: chr1-94048900-G-A. GRCh37 (hg19) VCF-style: chr1-94514456-G-A.
Other names: c.2489C>T, p.Thr830Met (NM_001425324.1); short protein forms T904M, T830M.
Identifiers: ClinVar variation 1016904 (VCV001016904.7), dbSNP rs774699366, ClinGen allele CA958187.

ClinVar aggregate classification (germline): Conflicting classifications of pathogenicity. Review status: criteria provided, conflicting classifications (1 of 4 stars). 3 submissions from 3 submitters: Uncertain significance (2); Likely benign (1). Last evaluated 2024-10-29.

Conditions:
Inborn genetic diseases. Identifiers: MedGen C0950123, MeSH D030342.

Allele frequency attached by ClinVar (database versions not stated): gnomAD exomes 0.00003 and 0.00004; TOPMed 0.00003; gnomAD 0.00005; ExAC 0.00006.
gnomAD v4.1: 47 of 1,613,898 alleles (0.0029%); highest among the groups gnomAD compares: Non-Finnish European, 0.0037%; no homozygotes.

Submissions (3):

Labcorp Genetics (formerly Invitae), Labcorp
Classification: Uncertain significance. Last evaluated: 2024-10-29. Review status: criteria provided, single submitter. Criteria: Invitae Variant Classification Sherloc (09022015). Collection method: clinical testing. Allele origin: germline.
Comment: This sequence change replaces threonine, which is neutral and polar, with methionine, which is neutral and non-polar, at codon 904 of the ABCA4 protein (p.Thr904Met). This variant is present in population databases (rs774699366, gnomAD 0.009%). This variant has not been reported in the literature in individuals affected with ABCA4-related conditions. ClinVar contains an entry for this variant (Variation ID: 1016904). Invitae Evidence Modeling of protein sequence and biophysical properties (such as structural, functional, and spatial information, amino acid conservation, physicochemical variation, residue mobility, and thermodynamic stability) indicates that this missense variant is not expected to disrupt ABCA4 protein function with a negative predictive value of 95%. In summary, the available evidence is currently insufficient to determine the role of this variant in disease. Therefore, it has been classified as a Variant of Uncertain Significance.

Blueprint Genetics
Classification: Uncertain significance. Last evaluated: 2024-10-17. Review status: criteria provided, single submitter. Criteria: ACMG Guidelines, 2015. Collection method: clinical testing. Allele origin: germline.

Ambry Genetics
Classification: Likely benign for Inborn genetic diseases. Last evaluated: 2023-08-14. Review status: criteria provided, single submitter. Criteria: Ambry Variant Classification Scheme 2023. Collection method: clinical testing. Allele origin: germline.